The following is an entry in ClinVar:

ClinVar aggregate classification (germline): Pathogenic (1 of 4 stars; one submission).

Conditions:
Renal carnitine transport defect (CDSP). Also called: Systemic primary carnitine deficiency disease; Primary carnitine deficiency; Systemic primary carnitine deficiency; Carnitine transporter deficiency; CARNITINE DEFICIENCY, SYSTEMIC, DUE TO DEFECT IN RENAL REABSORPTION OF CARNITINE; CARNITINE TRANSPORTER, PLASMA-MEMBRANE, DEFICIENCY OF. Identifiers: Orphanet 158, MedGen C0342788, MONDO:0008919, OMIM 212140.

Submission:

Labcorp Genetics (formerly Invitae), Labcorp
Classification: Pathogenic for Renal carnitine transport defect. Last evaluated: 2023-07-27. Review status: criteria provided, single submitter. Criteria: Invitae Variant Classification Sherloc (09022015). Collection method: clinical testing. Allele origin: germline.
Comment: For these reasons, this variant has been classified as Pathogenic. This variant has not been reported in the literature in individuals affected with SLC22A5-related conditions. This variant is not present in population databases (gnomAD no frequency). This sequence change creates a premature translational stop signal (p.Ala94Argfs*36) in the SLC22A5 gene. It is expected to result in an absent or disrupted protein product. Loss-of-function variants in SLC22A5 are known to be pathogenic (PMID: 9916797).

Literature cited by the submitters: PubMed 9916797.

NM_003060.4(SLC22A5):c.280del (p.Ala94fs)

Gene: SLC22A5 (solute carrier family 22 member 5; plus strand). Cytogenetic location: 5q31.1.
Variant type: Deletion.
Coding change: c.280del on transcript NM_003060.4 (MANE Select); coding-DNA position 280, one base deleted (G; older notation c.280delG).
Protein change: p.Ala94fs; shifts the reading frame from alanine 94.
Molecular consequence: frameshift variant.
Genome position (GRCh38, 1-based): chr5:132,370,252, G deleted; the last of 2 consecutive G bases (chr5:132,370,251-132,370,252); deleting either gives the same sequence. VCF-style (leftmost placement, unchanged base first): chr5-132370250-CG-C. GRCh37 (hg19) VCF-style: chr5-131705942-CG-C.
Other names: c.280del, p.Ala94fs (NM_001308122.2); short protein forms A94fs.
Identifiers: ClinVar variation 2747403 (VCV002747403.3), dbSNP rs2532089562, ClinGen allele CA2697546463.